The following is an entry in ClinVar:

ClinVar aggregate classification (germline): Uncertain significance (1 of 4 stars; one submission).

Conditions:
Neurofibromatosis, type 1 (NF1). Also called: Neurofibromatosis, type I; VON RECKLINGHAUSEN DISEASE; NEUROFIBROMATOSIS, TYPE I, SOMATIC; Peripheral type neurofibromatosis. Identifiers: Orphanet 636, MedGen C0027831, MONDO:0018975, OMIM 162200. Disease mechanism: loss of function.

Submission:

Labcorp Genetics (formerly Invitae), Labcorp
Classification: Uncertain significance for Neurofibromatosis, type 1. Last evaluated: 2022-10-05. Review status: criteria provided, single submitter. Criteria: Invitae Variant Classification Sherloc (09022015). Collection method: clinical testing. Allele origin: germline.
Comment: This sequence change replaces proline, which is neutral and non-polar, with leucine, which is neutral and non-polar, at codon 98 of the NF1 protein (p.Pro98Leu). In summary, the available evidence is currently insufficient to determine the role of this variant in disease. Therefore, it has been classified as a Variant of Uncertain Significance. Advanced modeling of protein sequence and biophysical properties (such as structural, functional, and spatial information, amino acid conservation, physicochemical variation, residue mobility, and thermodynamic stability) performed at Invitae indicates that this missense variant is expected to disrupt NF1 protein function. This variant has not been reported in the literature in individuals affected with NF1-related conditions. This variant is not present in population databases (gnomAD no frequency).

NM_001042492.3(NF1):c.293C>T (p.Pro98Leu)

Gene: NF1 (neurofibromin 1; plus strand). Cytogenetic location: 17q11.2.
Variant type: single nucleotide variant.
Coding change: c.293C>T on transcript NM_001042492.3 (MANE Select); coding-DNA position 293, C replaced by T.
Protein change: p.Pro98Leu; replaces proline 98 with leucine.
Molecular consequence: missense variant.
Genome position (GRCh38, 1-based): chr17:31,163,190, C>T. VCF-style: chr17-31163190-C-T. GRCh37 (hg19) VCF-style: chr17-29490208-C-T.
Other names: c.293C>T, p.Pro98Leu (NM_000267.4, NM_001128147.3); short protein forms P98L.
Identifiers: ClinVar variation 1721031 (VCV001721031.5), dbSNP rs780979519, ClinGen allele CA398981633.
Genomic context (GRCh38, chr17:31,163,190, plus strand): 5'-GAAAATGTTTACAGGTAAAATTAAAGTTTAGAATAATGTGATTATTTCTATTTTAGCAAC[C>T]AAAGGACACAATGAGATTAGATGAAACGATGCTGGTCAAACAGTTGCTGCCAGAAATCTG-3'
Protein context (NP_001035957.1, residues 88-108): DTLEKCLAGQ[Pro98Leu]KDTMRLDETM